The following is an entry in ClinVar:

ClinVar aggregate classification (germline): Likely pathogenic (1 of 4 stars; one submission).

Conditions:
Bloom syndrome (BLM). Also called: Bloom-Torre-Machacek syndrome. Identifiers: Orphanet 125, MedGen C0005859, MONDO:0008876, OMIM 210900.

Submission:

Natera, Inc.
Classification: Likely pathogenic for Bloom syndrome. Last evaluated: 2025-08-08. Review status: criteria provided, single submitter. Criteria: Natera Variant Classification Schema (03/2026). Collection method: clinical testing. Allele origin: germline.
Comment: The c.1790C>G variant in BLM is a nonsense variant predicted to introduce a stop codon at amino acid 597. This variant is expected to result in nonsense mediated decay, truncation, or a dysfunctional protein product. This variant is rare in the general population with a frequency below the threshold expected for the associated phenotype(s). Given the available evidence, this variant is classified as Likely Pathogenic.

NM_000057.4(BLM):c.1790C>G (p.Ser597Ter)

Gene: BLM (BLM RecQ like helicase; plus strand). Cytogenetic location: 15q26.1.
Variant type: single nucleotide variant.
Coding change: c.1790C>G on transcript NM_000057.4 (MANE Select); coding-DNA position 1790, C replaced by G.
Protein change: p.Ser597Ter; replaces serine 597 with a stop codon.
Molecular consequence: nonsense.
Genome position (GRCh38, 1-based): chr15:90,761,163, C>G. VCF-style: chr15-90761163-C-G. GRCh37 (hg19) VCF-style: chr15-91304393-C-G.
Other names: c.1790C>G, p.Ser597Ter (NM_001287246.2, NM_001287247.2); c.665C>G, p.Ser222Ter (NM_001287248.2); short protein forms S222*, S597*.
Identifiers: ClinVar variation 4815709 (VCV004815709.1).